The following is an entry in ClinVar:

NM_014324.6(AMACR):c.710A>G (p.Glu237Gly)

Genes: C1QTNF3-AMACR (C1QTNF3-AMACR readthrough (NMD candidate); minus strand), AMACR (alpha-methylacyl-CoA racemase; minus strand). Cytogenetic location: 5p13.2.
Variant type: single nucleotide variant.
Coding change: c.710A>G on transcript NM_014324.6 (MANE Select); coding-DNA position 710, A replaced by G.
Protein change: p.Glu237Gly; replaces glutamic acid 237 with glycine.
Molecular consequence: missense variant. On other transcripts: non-coding transcript variant (1), synonymous variant (1).
Genome position (GRCh38, 1-based): chr5:33,998,670, T>C on the plus strand (A>G on the coding strand, the complement: AMACR is on the minus strand). VCF-style: chr5-33998670-T-C. GRCh37 (hg19) VCF-style: chr5-33998775-T-C.
Other names: c.710A>G, p.Glu237Gly (NM_001167595.2); c.549A>G, p.Arg183= (NM_203382.3); short protein forms E237G.
Identifiers: ClinVar variation 906071 (VCV000906071.5), dbSNP rs553965377, ClinGen allele CA3226141.
Genomic context (GRCh38, chr5:33,998,670, plus strand): 5'-GAACTGGGGGAGACGCGTGAAGTTCACTTACCTTTGATCAGCAGCTCGTAGAACTGGGGT[T>C]CTATTGCTCCAACAGCCATGAATTCCCCATCTGCTGTCCTGTAAGTCGTATAGAAAGGTG-3'
Protein context (NP_055139.4, residues 227-247): DGEFMAVGAI[Glu237Gly]PQFYELLIKG

ClinVar aggregate classification (germline): Uncertain significance. Review status: criteria provided, multiple submitters, no conflicts (2 of 4 stars). 2 submissions from 2 submitters: Uncertain significance (2). Last evaluated 2026-07-20.

Conditions:
AMACR-related disorder. Also called: AMACR-related condition; AMACR-Related Disorders.
Alpha-methylacyl-CoA racemase deficiency (AMACRD). Also called: AMACR deficiency. Identifiers: Orphanet 79095, MedGen C3280428, MONDO:0013681, OMIM 614307. Disease mechanism: loss of function.

Allele frequency attached by ClinVar (database versions not stated): gnomAD exomes below 0.00001 and 0.00001; TOPMed below 0.00001; gnomAD 0.00001; ExAC 0.00002; 1000 Genomes Project 30x 0.00016; 1000 Genomes Project 0.00020.
gnomAD v4.1: 6 of 1,612,340 alleles (0.00037%); highest among the groups gnomAD compares: East Asian, 0.0089%; no homozygotes.

Submissions (2):

PreventionGenetics, part of Exact Sciences
Classification: Uncertain significance for AMACR-related condition. Last evaluated: 2026-07-20. Review status: criteria provided, single submitter. Criteria: ACMG Guidelines, 2015. Collection method: clinical testing. Allele origin: germline.
Comment: The AMACR c.710A>G variant is predicted to result in the amino acid substitution p.Glu237Gly. This variant was reported in an individual with bile acid synthesis defect (Wang et al. 2021. PubMed ID: 34621847). This variant is reported in 0.011% of alleles in individuals of East Asian descent in gnomAD. At this time, the clinical significance of this variant is uncertain due to the absence of conclusive functional and genetic evidence.

Illumina Laboratory Services, Illumina
Classification: Uncertain significance for Alpha-methylacyl-CoA racemase deficiency. Last evaluated: 2017-04-28. Review status: criteria provided, single submitter. Criteria: ICSL Variant Classification Criteria 13 December 2019. Collection method: clinical testing. Allele origin: germline.
Comment: This variant was observed as part of a predisposition screen in an ostensibly healthy population. A literature search was performed for the gene, cDNA change, and amino acid change (where applicable). Publications were found based on this search. However, the evidence from the literature, in combination with allele frequency data from public databases where available, was not sufficient to rule this variant in or out of causing disease. Therefore, this variant is classified as a variant of unknown significance.

Literature cited by the submitters: PubMed 20558530 (cited by Illumina Laboratory Services, Illumina).